The following is an entry in ClinVar:

ClinVar aggregate classification (germline): Conflicting classifications of pathogenicity. Review status: criteria provided, conflicting classifications (1 of 4 stars). 4 submissions from 4 submitters: Uncertain significance (2); Likely benign (2). Last evaluated 2023-11-20.

Conditions:
Hereditary cancer-predisposing syndrome. Also called: Hereditary Cancer Syndrome; Neoplastic Syndromes, Hereditary; Tumor predisposition; Hereditary neoplastic syndrome. Identifiers: Orphanet 140162, MedGen C0027672, MeSH D009386, MONDO:0015356.
Hereditary breast ovarian cancer syndrome. Also called: Hereditary breast and ovarian cancer; Hereditary breast and ovarian cancer syndrome; Breast and ovarian cancer; Hereditary breast and ovarian cancer syndrome (HBOC); Hereditary breast and/or ovarian cancer syndrome; BRCA1- and BRCA2-Associated Hereditary Breast and Ovarian Cancer. Identifiers: Orphanet 145, MedGen C0677776, MeSH D061325, MONDO:0003582. Disease mechanism: loss of function.
Breast-ovarian cancer, familial, susceptibility to, 2 (BROVCA2). Also called: BRCA2 Hereditary Breast and Ovarian Cancer. Identifiers: Orphanet 145, MedGen C2675520, MONDO:0012933, OMIM 612555. Disease mechanism: loss of function.

Allele frequency attached by ClinVar (database versions not stated): TOPMed below 0.00001; gnomAD 0.00001.
gnomAD v4.1: 1 of 1,614,078 alleles (0.000062%); highest among the groups gnomAD compares: Admixed American, 0.0017%; no homozygotes.

Submissions (4):

All of Us Research Program, National Institutes of Health
Classification: Uncertain significance for Breast-ovarian cancer, familial, susceptibility to, 2. Last evaluated: 2023-11-20. Review status: criteria provided, single submitter. Criteria: ACMG Guidelines, 2015. Collection method: clinical testing. Allele origin: germline. Inheritance: Autosomal dominant inheritance. Observed: 1 variant allele, 1 heterozygote.
Comment: This missense variant replaces threonine with alanine at codon 3357 of the BRCA2 protein. Computational prediction suggests that this variant may not impact protein structure and function (internally defined REVEL score threshold <= 0.5, PMID: 27666373). To our knowledge, functional studies have not been reported for this variant. This variant has been reported in individuals affected with breast cancer (PMID: 31837001). This variant has not been identified in the general population by the Genome Aggregation Database (gnomAD). The available evidence is insufficient to determine the role of this variant in disease conclusively. Therefore, this variant is classified as a Variant of Uncertain Significance.

This study involves interpretation of variants in research participants for the purpose of population health screening. Participant phenotype was not available at the time of variant classification. Additional details can be found in publication PMID: 35346344, PMCID: PMC8962531

Labcorp Genetics (formerly Invitae), Labcorp
Classification: Uncertain significance for Hereditary breast ovarian cancer syndrome. Last evaluated: 2023-06-09. Review status: criteria provided, single submitter. Criteria: Invitae Variant Classification Sherloc (09022015). Collection method: clinical testing. Allele origin: germline.
Comment: In summary, the available evidence is currently insufficient to determine the role of this variant in disease. Therefore, it has been classified as a Variant of Uncertain Significance. Advanced modeling of protein sequence and biophysical properties (such as structural, functional, and spatial information, amino acid conservation, physicochemical variation, residue mobility, and thermodynamic stability) performed at Invitae indicates that this missense variant is not expected to disrupt BRCA2 protein function. ClinVar contains an entry for this variant (Variation ID: 187022). This variant has not been reported in the literature in individuals affected with BRCA2-related conditions. This variant is not present in population databases (gnomAD no frequency). This sequence change replaces threonine, which is neutral and polar, with alanine, which is neutral and non-polar, at codon 3357 of the BRCA2 protein (p.Thr3357Ala).

Ambry Genetics
Classification: Likely benign for Hereditary cancer-predisposing syndrome. Last evaluated: 2022-01-21. Review status: criteria provided, single submitter. Criteria: Ambry Variant Classification Scheme 2023. Collection method: clinical testing. Allele origin: germline.

GeneDx
Classification: Likely benign. Last evaluated: 2015-05-22. Review status: criteria provided, single submitter. Criteria: GeneDx Variant Classification (06012015). Collection method: clinical testing. Allele origin: germline. Affected: yes.
Comment: This variant is considered likely benign or benign based on one or more of the following criteria: it is a conservative change, it occurs at a poorly conserved position in the protein, it is predicted to be benign by multiple in silico algorithms, and/or has population frequency not consistent with disease.

Literature cited by the submitters: PubMed 31837001 (cited by All of Us Research Program, National Institutes of Health and Ambry Genetics).

NM_000059.4(BRCA2):c.10069A>G (p.Thr3357Ala)

Gene: BRCA2 (BRCA2 DNA repair associated; plus strand). Cytogenetic location: 13q13.1.
Variant type: single nucleotide variant.
Coding change: c.10069A>G on transcript NM_000059.4 (MANE Select); coding-DNA position 10069, A replaced by G.
Protein change: p.Thr3357Ala; replaces threonine 3357 with alanine.
Molecular consequence: missense variant.
Genome position (GRCh38, 1-based): chr13:32,398,582, A>G. VCF-style: chr13-32398582-A-G. GRCh37 (hg19) VCF-style: chr13-32972719-A-G.
Other names: short protein forms T3357A.
Identifiers: ClinVar variation 187022 (VCV000187022.16), dbSNP rs786203411, ClinGen allele CA010123.
Genomic context (GRCh38, chr13:32,398,582, plus strand): 5'-AATTCAATAGCTGACGAAGAACTTGCATTGATAAATACCCAAGCTCTTTTGTCTGGTTCA[A>G]CAGGAGAAAAACAATTTATATCTGTCAGTGAATCCACTAGGACTGCTCCCACCAGTTCAG-3'
Protein context (NP_000050.3, residues 3347-3367): INTQALLSGS[Thr3357Ala]GEKQFISVSE